The following is an entry in ClinVar:

NM_020458.4(TTC7A):c.650C>G (p.Thr217Ser)

Gene: TTC7A (tetratricopeptide repeat domain 7A; plus strand). Cytogenetic location: 2p21.
Variant type: single nucleotide variant.
Coding change: c.650C>G on transcript NM_020458.4 (MANE Select); coding-DNA position 650, C replaced by G.
Protein change: p.Thr217Ser; replaces threonine 217 with serine.
Molecular consequence: missense variant. On other transcripts: 5 prime UTR variant (1).
Genome position (GRCh38, 1-based): chr2:46,978,793, C>G. VCF-style: chr2-46978793-C-G. GRCh37 (hg19) VCF-style: chr2-47205932-C-G.
Other names: c.650C>G, p.Thr217Ser (NM_001288951.2); c.548C>G, p.Thr183Ser (NM_001288953.2); c.-255C>G (NM_001288955.2); short protein forms T217S, T183S.
Identifiers: ClinVar variation 1418528 (VCV001418528.5), dbSNP rs372046395, ClinGen allele CA46631837.

ClinVar aggregate classification (germline): Uncertain significance (1 of 4 stars; one submission).

Conditions:
Multiple gastrointestinal atresias. Also called: FAMILIAL INTESTINAL POLYATRESIA SYNDROME; Multiple intestinal atresia. Identifiers: Orphanet 2300, MedGen C0220744, MONDO:0009465.

gnomAD v4.1: 4 of 1,613,424 alleles (0.00025%); highest among the groups gnomAD compares: East Asian, 0.0022%; no homozygotes.

Submission:

Labcorp Genetics (formerly Invitae), Labcorp
Classification: Uncertain significance for Multiple gastrointestinal atresias. Last evaluated: 2021-08-27. Review status: criteria provided, single submitter. Criteria: Invitae Variant Classification Sherloc (09022015). Collection method: clinical testing. Allele origin: germline.
Comment: This sequence change replaces threonine with serine at codon 217 of the TTC7A protein (p.Thr217Ser). The threonine residue is moderately conserved and there is a small physicochemical difference between threonine and serine. This variant is not present in population databases (ExAC no frequency). This variant has not been reported in the literature in individuals affected with TTC7A-related conditions. Algorithms developed to predict the effect of missense changes on protein structure and function (SIFT, PolyPhen-2, Align-GVGD) all suggest that this variant is likely to be tolerated. In summary, the available evidence is currently insufficient to determine the role of this variant in disease. Therefore, it has been classified as a Variant of Uncertain Significance.